The following is an entry in ClinVar:

ClinVar aggregate classification (germline): Pathogenic (1 of 4 stars; one submission).

Conditions:
Muscular dystrophy-dystroglycanopathy (congenital with impaired intellectual development), type B, 1. Also called: Muscular dystrophy-dystroglycanopathy (congenital with intellectual disability), type B1; MUSCULAR DYSTROPHY, CONGENITAL, POMT1-RELATED. Identifiers: MedGen C5436962, MONDO:0013159, OMIM 613155.
Autosomal recessive limb-girdle muscular dystrophy type 2K. Also called: MUSCULAR DYSTROPHY-DYSTROGLYCANOPATHY (LIMB-GIRDLE), TYPE C, 1; MUSCULAR DYSTROPHY, LIMB-GIRDLE, TYPE 2K. Identifiers: Orphanet 86812, MedGen C1836373, MONDO:0012248, OMIM 609308.
Walker-Warburg congenital muscular dystrophy. Also called: Muscular dystrophy-dystroglycanopathy, type A; Walker-Warburg syndrome. Identifiers: Orphanet 899, MedGen C0265221, MONDO:0000171.

Submission:

Labcorp Genetics (formerly Invitae), Labcorp
Classification: Pathogenic for Muscular dystrophy-dystroglycanopathy (congenital with impaired intellectual development), type B, 1; Walker-Warburg congenital muscular dystrophy; Autosomal recessive limb-girdle muscular dystrophy type 2K. Last evaluated: 2025-03-09. Review status: criteria provided, single submitter. Criteria: Invitae Variant Classification Sherloc (09022015). Collection method: clinical testing. Allele origin: germline.
Comment: This sequence change creates a premature translational stop signal (p.Gly640Alafs*96) in the POMT1 gene. While this is not anticipated to result in nonsense mediated decay, it is expected to disrupt the last 108 amino acid(s) of the POMT1 protein. This variant is present in population databases (no rsID available, gnomAD 0.0009%). This variant has not been reported in the literature in individuals affected with POMT1-related conditions. ClinVar contains an entry for this variant (Variation ID: 655295). Experimental studies and prediction algorithms are not available or were not evaluated, and the functional significance of this variant is currently unknown. This variant disrupts a region of the POMT1 protein in which other variant(s) (p.Asp723Glyfs*8) have been determined to be pathogenic (PMID: 12369018, 16575835, 17559086, 22323514, 24304607, 24491487). This suggests that this is a clinically significant region of the protein, and that variants that disrupt it are likely to be disease-causing. For these reasons, this variant has been classified as Pathogenic.

Literature cited by the submitters: PubMed 12369018; PubMed 16575835; PubMed 17559086; PubMed 22323514; PubMed 24304607; PubMed 24491487.

NM_001077365.2(POMT1):c.1837_1852dup (p.Gly618fs)

Gene: POMT1 (protein O-mannosyltransferase 1; plus strand). Cytogenetic location: 9q34.13.
Variant type: Duplication.
Coding change: c.1837_1852dup on transcript NM_001077365.2 (MANE Select); coding-DNA positions 1837 to 1852, 16 bases duplicated (CGCTGGGTGCTGGCTG).
Protein change: p.Gly618fs; shifts the reading frame from glycine 618.
Molecular consequence: frameshift variant. On other transcripts: non-coding transcript variant (10).
Genome position (GRCh38, 1-based): chr9:131,522,058-131,522,073, CGCTGGGTGCTGGCTG duplicated; duplicating any 16 consecutive bases within chr9:131,522,051-131,522,073 gives the same sequence; the c. name uses the placement nearest the transcript's 3' end. VCF-style (leftmost placement, unchanged base first): chr9-131522050-C-CCTGGCTGCGCTGGGTG. GRCh37 (hg19) VCF-style: chr9-134397437-C-CCTGGCTGCGCTGGGTG.
Other names: c.1903_1918dup16 (NM_007171.3); c.1675_1690dup, p.Gly564fs (NM_001077366.2, NM_001353194.2); c.1837_1852dup, p.Gly618fs (NM_001136113.2); c.1486_1501dup, p.Gly501fs (NM_001136114.2, NM_001353195.2, NM_001374691.1 and 2 more transcripts); c.1903_1918dup, p.Gly640fs (NM_001353193.2, NM_007171.4); c.1747_1762dup, p.Gly588fs (NM_001353196.2); c.1741_1756dup, p.Gly586fs (NM_001353197.2, NM_001353198.2); c.1552_1567dup, p.Gly523fs (NM_001353199.2); and 4 more; short protein forms G545fs, G488fs, G501fs, G523fs, G614fs, G618fs, G466fs, G564fs.
Identifiers: ClinVar variation 655295 (VCV000655295.11), dbSNP rs1315540509, ClinGen allele CA590946806.
Genomic context (GRCh38, chr9:131,522,050, plus strand): 5'-AGAAGACCCGGCCTGTGGGAGCAGCAGAGTCGGTGTAGCTCGAGCCCTTTCCTATAGATG[C>CCTGGCTGCGCTGGGTG]CTGGCTGCGCTGGGTGCTGGCTGGGGCGCTGTGTGCCGGTGGCTGGGCAGTGAACTACCT-3'